The following is an entry in ClinVar:

NM_030631.4(SLC25A21):c.428C>T (p.Thr143Ile)

Gene: SLC25A21 (solute carrier family 25 member 21; minus strand). Cytogenetic location: 14q13.3.
Variant type: single nucleotide variant.
Coding change: c.428C>T on transcript NM_030631.4 (MANE Select); coding-DNA position 428, C replaced by T.
Protein change: p.Thr143Ile; replaces threonine 143 with isoleucine.
Molecular consequence: missense variant.
Genome position (GRCh38, 1-based): chr14:36,725,580, G>A on the plus strand (C>T on the coding strand, the complement: SLC25A21 is on the minus strand). VCF-style: chr14-36725580-G-A. GRCh37 (hg19) VCF-style: chr14-37194785-G-A.
Other names: c.428C>T, p.Thr143Ile (NM_001171170.2); short protein forms T143I.
Identifiers: ClinVar variation 1531669 (VCV001531669.17), dbSNP rs140171268, ClinGen allele CA7159305.

ClinVar aggregate classification (germline): Benign/Likely benign. Review status: criteria provided, multiple submitters, no conflicts (2 of 4 stars). 3 submissions from 3 submitters: Benign (2); Likely benign (1). Last evaluated 2026-01-05.

Allele frequency attached by ClinVar (database versions not stated): gnomAD exomes 0.00022 and 0.00055; ExAC 0.00081; 1000 Genomes Project 0.00200; 1000 Genomes Project 30x 0.00203; gnomAD 0.00273 and 0.00293; TOPMed 0.00315; ESP Exome Variant Server 0.00354.
gnomAD v4.1: 740 of 1,573,970 alleles (0.047%); highest among the groups gnomAD compares: African/African-American, 0.94%; 6 homozygotes.

Submissions (3):

Labcorp Genetics (formerly Invitae), Labcorp
Classification: Benign. Last evaluated: 2026-01-05. Review status: criteria provided, single submitter. Criteria: Invitae Variant Classification Sherloc (09022015). Collection method: clinical testing. Allele origin: germline.

CeGaT Center for Human Genetics Tuebingen
Classification: Likely benign. Last evaluated: 2025-07-01. Review status: criteria provided, single submitter. Criteria: CeGaT Center For Human Genetics Tuebingen Variant Classification Criteria Version 2. Collection method: clinical testing. Allele origin: germline. Affected: yes. Observed: 1 variant allele.
Comment: SLC25A21: BP4, BS2

Breakthrough Genomics
Classification: Benign. Review status: criteria provided, single submitter. Criteria: ACMG Guidelines, 2015. Collection method: not provided. Allele origin: germline. Inheritance: Autosomal recessive inheritance. Affected: yes.